The following is an entry in ClinVar:

ClinVar aggregate classification (germline): Uncertain significance (1 of 4 stars; one submission).

Submission:

GeneDx
Classification: Uncertain significance. Last evaluated: 2023-06-26. Review status: criteria provided, single submitter. Criteria: GeneDx Variant Classification Process June 2021. Collection method: clinical testing. Allele origin: germline. Affected: yes.
Comment: Not observed at significant frequency in large population cohorts (gnomAD); In silico analysis supports that this missense variant has a deleterious effect on protein structure/function; Has not been previously published as pathogenic or benign to our knowledge

NM_001923.5(DDB1):c.188T>G (p.Val63Gly)

Gene: DDB1 (damage specific DNA binding protein 1; minus strand). Cytogenetic location: 11q12.2.
Variant type: single nucleotide variant.
Coding change: c.188T>G on transcript NM_001923.5 (MANE Select); coding-DNA position 188, T replaced by G.
Protein change: p.Val63Gly; replaces valine 63 with glycine.
Molecular consequence: missense variant.
Genome position (GRCh38, 1-based): chr11:61,331,565, A>C on the plus strand (T>G on the coding strand, the complement: DDB1 is on the minus strand). VCF-style: chr11-61331565-A-C. GRCh37 (hg19) VCF-style: chr11-61099037-A-C.
Other names: short protein forms V63G.
Identifiers: ClinVar variation 3360315 (VCV003360315.1).